The following is an entry in ClinVar:

ClinVar aggregate classification (germline): Uncertain significance (1 of 4 stars; one submission).

Submission:

CeGaT Center for Human Genetics Tuebingen
Classification: Uncertain significance. Last evaluated: 2025-08-01. Review status: criteria provided, single submitter. Criteria: CeGaT Center For Human Genetics Tuebingen Variant Classification Criteria Version 2. Collection method: clinical testing. Allele origin: germline. Affected: yes. Observed: 1 variant allele.
Comment: GABRB2: PM2, PS2:Moderate, PP3

NM_001371727.1(GABRB2):c.1217T>C (p.Leu406Pro)

Gene: GABRB2 (gamma-aminobutyric acid type A receptor subunit beta2; minus strand). Cytogenetic location: 5q34.
Variant type: single nucleotide variant.
Coding change: c.1217T>C on transcript NM_001371727.1 (MANE Select); coding-DNA position 1217, T replaced by C.
Protein change: p.Leu406Pro; replaces leucine 406 with proline.
Molecular consequence: missense variant.
Genome position (GRCh38, 1-based): chr5:161,294,403, A>G on the plus strand (T>C on the coding strand, the complement: GABRB2 is on the minus strand). VCF-style: chr5-161294403-A-G. GRCh37 (hg19) VCF-style: chr5-160721410-A-G.
Other names: c.1103T>C, p.Leu368Pro (NM_000813.3); c.1217T>C, p.Leu406Pro (NM_021911.3); short protein forms L368P, L406P.
Identifiers: ClinVar variation 3898602 (VCV003898602.7).